The following is an entry in ClinVar:

NM_006206.6(PDGFRA):c.1772A>T (p.Asp591Val)

Gene: PDGFRA (platelet derived growth factor receptor alpha; plus strand). Cytogenetic location: 4q12.
Variant type: single nucleotide variant.
Coding change: c.1772A>T on transcript NM_006206.6 (MANE Select); coding-DNA position 1772, A replaced by T.
Protein change: p.Asp591Val; replaces aspartic acid 591 with valine.
Molecular consequence: missense variant.
Genome position (GRCh38, 1-based): chr4:54,274,959, A>T. VCF-style: chr4-54274959-A-T. GRCh37 (hg19) VCF-style: chr4-55141126-A-T.
Other names: c.1772A>T, p.Asp591Val (NM_001347827.2, NM_001347829.2); c.1847A>T, p.Asp616Val (NM_001347828.2); c.1811A>T, p.Asp604Val (NM_001347830.2); short protein forms D591V, D604V, D616V.
Identifiers: ClinVar variation 4861754 (VCV004861754.1).

ClinVar aggregate classification (germline): Uncertain significance (1 of 4 stars; one submission).

Conditions:
Hereditary cancer-predisposing syndrome. Also called: Neoplastic Syndromes, Hereditary; Tumor predisposition; Hereditary Cancer Syndrome; Hereditary neoplastic syndrome. Identifiers: Orphanet 140162, MedGen C0027672, MeSH D009386, MONDO:0015356.

Submission:

Ambry Genetics
Classification: Uncertain significance for Hereditary cancer-predisposing syndrome. Last evaluated: 2026-06-08. Review status: criteria provided, single submitter. Criteria: Ambry Variant Classification Scheme 2023. Collection method: clinical testing. Allele origin: germline.
Comment: The p.D591V variant (also known as c.1772A>T), located in coding exon 11 of the PDGFRA gene, results from an A to T substitution at nucleotide position 1772. The aspartic acid at codon 591 is replaced by valine, an amino acid with highly dissimilar properties. This amino acid position is conserved. In addition, this alteration is predicted to be deleterious by in silico analysis. Based on the available evidence, the clinical significance of this variant remains unclear.